The following is an entry in ClinVar:

ClinVar aggregate classification (germline): Likely benign. Review status: criteria provided, single submitter (1 of 4 stars). 2 submissions from 2 submitters: Likely benign (1). 1 of the submissions does not count toward it. Last evaluated 2026-07-01.

Conditions:
IRF2BPL-related disorder. Also called: IRF2BPL-related condition. Identifiers: MedGen CN381093.

Submissions (2):

CeGaT Center for Human Genetics Tuebingen
Classification: Likely benign. Last evaluated: 2026-07-01. Review status: criteria provided, single submitter. Criteria: CeGaT Center For Human Genetics Tuebingen Variant Classification Criteria Version 2. Collection method: clinical testing. Allele origin: germline. Affected: yes. Observed: 1 variant allele.
Comment: IRF2BPL: BP4, BP7

PreventionGenetics, part of Exact Sciences
Classification: Likely benign for IRF2BPL-related condition. Last evaluated: 2019-06-06. Review status: no assertion criteria provided. Collection method: clinical testing. Allele origin: germline. Not counted in ClinVar's aggregate classification.
Comment: This variant is classified as likely benign based on ACMG/AMP sequence variant interpretation guidelines (Richards et al. 2015 PMID: 25741868, with internal and published modifications).

NM_024496.4(IRF2BPL):c.534G>A (p.Val178=)

Gene: IRF2BPL (interferon regulatory factor 2 binding protein like; minus strand). Cytogenetic location: 14q24.3.
Variant type: single nucleotide variant.
Coding change: c.534G>A on transcript NM_024496.4 (MANE Select); coding-DNA position 534, G replaced by A.
Protein change: p.Val178=; no amino-acid change (valine 178 retained).
Molecular consequence: synonymous variant.
Genome position (GRCh38, 1-based): chr14:77,027,259, C>T on the plus strand (G>A on the coding strand, the complement: IRF2BPL is on the minus strand). VCF-style: chr14-77027259-C-T. GRCh37 (hg19) VCF-style: chr14-77493602-C-T.
Identifiers: ClinVar variation 3044727 (VCV003044727.3), dbSNP rs749648076, ClinGen allele CA7283920.